The following is an entry in ClinVar:

NM_001308093.3(GATA4):c.428T>G (p.Leu143Arg)

Gene: GATA4 (GATA binding protein 4). Cytogenetic location: 8p23.1.
Variant type: single nucleotide variant.
Coding change: c.428T>G on transcript NM_001308093.3 (MANE Select); coding-DNA position 428, T replaced by G.
Protein change: p.Leu143Arg; replaces leucine 143 with arginine.
Molecular consequence: missense variant. On other transcripts: intron variant (3).
Genome position (GRCh38, 1-based): chr8:11,708,740, T>G. VCF-style: chr8-11708740-T-G. GRCh37 (hg19) VCF-style: chr8-11566249-T-G.
Other names: c.428T>G, p.Leu143Arg (NM_002052.5); c.-6+7962T>G (NM_001308094.2); c.-3+726T>G (NM_001374274.1); c.-3+4436T>G (NM_001374273.1); short protein forms L143R.
Identifiers: ClinVar variation 2561111 (VCV002561111.2), dbSNP rs1447778260, ClinGen allele CA370309601.

ClinVar aggregate classification (germline): Uncertain significance (1 of 4 stars; one submission).

Conditions:
Cardiovascular phenotype. Identifiers: MedGen CN230736.

Allele frequency attached by ClinVar (database versions not stated): TOPMed below 0.00001.

Submission:

Ambry Genetics
Classification: Uncertain significance for Cardiovascular phenotype. Last evaluated: 2023-05-04. Review status: criteria provided, single submitter. Criteria: Ambry Variant Classification Scheme 2023. Collection method: clinical testing. Allele origin: germline.
Comment: The p.L143R variant (also known as c.428T>G), located in coding exon 1 of the GATA4 gene, results from a T to G substitution at nucleotide position 428. The leucine at codon 143 is replaced by arginine, an amino acid with dissimilar properties. This amino acid position is conserved. In addition, the in silico prediction for this alteration is inconclusive. Since supporting evidence is limited at this time, the clinical significance of this alteration remains unclear.